The following is an entry in ClinVar:

NM_001103.4(ACTN2):c.1909C>A (p.Arg637Ser)

Gene: ACTN2 (actinin alpha 2; plus strand). Cytogenetic location: 1q43.
Variant type: single nucleotide variant.
Coding change: c.1909C>A on transcript NM_001103.4 (MANE Select); coding-DNA position 1909, C replaced by A.
Protein change: p.Arg637Ser; replaces arginine 637 with serine.
Molecular consequence: missense variant. On other transcripts: non-coding transcript variant (1).
Genome position (GRCh38, 1-based): chr1:236,754,016, C>A. VCF-style: chr1-236754016-C-A. GRCh37 (hg19) VCF-style: chr1-236917316-C-A.
Other names: c.1909C>A, p.Arg637Ser (NM_001278343.2); c.1285C>A, p.Arg429Ser (NM_001278344.2); c.1159C>A, p.Arg387Ser (NM_001412150.1); short protein forms R387S, R429S, R637S.
Identifiers: ClinVar variation 2562768 (VCV002562768.5), dbSNP rs570051117, ClinGen allele CA345386862.

ClinVar aggregate classification (germline): Uncertain significance. Review status: criteria provided, multiple submitters, no conflicts (2 of 4 stars). 2 submissions from 2 submitters: Uncertain significance (2). Last evaluated 2024-01-29.

Conditions:
Cardiovascular phenotype. Identifiers: MedGen CN230736.
Dilated cardiomyopathy 1AA (CMD1AA). Also called: Cardiomyopathy, dilated, 1AA, with or without LVNC; CARDIOMYOPATHY, DILATED, 1AA, WITH OR WITHOUT LEFT VENTRICULAR NONCOMPACTION; CARDIOMYOPATHY, FAMILIAL HYPERTROPHIC, 23, WITH OR WITHOUT LEFT VENTRICULAR NONCOMPACTION. Identifiers: Orphanet 154, MedGen C2677338, MONDO:0012808, OMIM 612158.
Primary familial hypertrophic cardiomyopathy (HCM). Identifiers: Orphanet 99739, MedGen C0949658, MeSH D024741, MONDO:0024573. Inheritance: Various modes of inheritance.

gnomAD v4.1: 1 of 1,614,128 alleles (0.000062%); no homozygotes.

Submissions (2):

Labcorp Genetics (formerly Invitae), Labcorp
Classification: Uncertain significance for Primary familial hypertrophic cardiomyopathy; Dilated cardiomyopathy 1AA. Last evaluated: 2024-01-29. Review status: criteria provided, single submitter. Criteria: Invitae Variant Classification Sherloc (09022015). Collection method: clinical testing. Allele origin: germline.
Comment: This sequence change replaces arginine, which is basic and polar, with serine, which is neutral and polar, at codon 637 of the ACTN2 protein (p.Arg637Ser). This variant is not present in population databases (gnomAD no frequency). This variant has not been reported in the literature in individuals affected with ACTN2-related conditions. ClinVar contains an entry for this variant (Variation ID: 2562768). Advanced modeling of protein sequence and biophysical properties (such as structural, functional, and spatial information, amino acid conservation, physicochemical variation, residue mobility, and thermodynamic stability) performed at Invitae indicates that this missense variant is not expected to disrupt ACTN2 protein function with a negative predictive value of 80%. In summary, the available evidence is currently insufficient to determine the role of this variant in disease. Therefore, it has been classified as a Variant of Uncertain Significance.

Ambry Genetics
Classification: Uncertain significance for Cardiovascular phenotype. Last evaluated: 2023-05-27. Review status: criteria provided, single submitter. Criteria: Ambry Variant Classification Scheme 2023. Collection method: clinical testing. Allele origin: germline.
Comment: The p.R637S variant (also known as c.1909C>A), located in coding exon 16 of the ACTN2 gene, results from a C to A substitution at nucleotide position 1909. The arginine at codon 637 is replaced by serine, an amino acid with dissimilar properties. This amino acid position is conserved. In addition, the in silico prediction for this alteration is inconclusive. Since supporting evidence is limited at this time, the clinical significance of this alteration remains unclear.